The following is an entry in ClinVar:

ClinVar aggregate classification (germline): Likely benign (1 of 4 stars; one submission).

Allele frequency attached by ClinVar (database versions not stated): TOPMed 0.00333; 1000 Genomes Project 0.00399; gnomAD 0.00297; 1000 Genomes Project 30x 0.00390.

Submission:

GeneDx
Classification: Likely benign. Last evaluated: 2018-06-19. Review status: criteria provided, single submitter. Criteria: GeneDx Variant Classification (06012015). Collection method: clinical testing. Allele origin: germline. Affected: yes.
Comment: This variant is considered likely benign or benign based on one or more of the following criteria: it is a conservative change, it occurs at a poorly conserved position in the protein, it is predicted to be benign by multiple in silico algorithms, and/or has population frequency not consistent with disease.

NM_030662.3(MAP2K2):c.-406C>A

Gene: MAP2K2 (mitogen-activated protein kinase kinase 2; minus strand). Cytogenetic location: 19p13.3.
Variant type: single nucleotide variant.
Coding change: c.-406C>A on transcript NM_030662.3; 406 bases upstream of the start codon, C replaced by A.
Genome position (GRCh38, 1-based): chr19:4,124,281, G>T on the plus strand (C>A on the coding strand, the complement: MAP2K2 is on the minus strand). VCF-style: chr19-4124281-G-T. GRCh37 (hg19) VCF-style: chr19-4124278-G-T.
Identifiers: ClinVar variation 561937 (VCV000561937.3), dbSNP rs149141097, ClinGen allele CA304449527.